The following is an entry in ClinVar:

ClinVar aggregate classification (germline): Uncertain significance. Review status: criteria provided, multiple submitters, no conflicts (2 of 4 stars). 2 submissions from 2 submitters: Uncertain significance (2). Last evaluated 2024-05-12.

Conditions:
Nonpapillary renal cell carcinoma. Identifiers: Orphanet 422526, MedGen CN074294, MONDO:0007763, OMIM 144700.
Type 2 diabetes mellitus. Also called: Type II diabetes mellitus. Identifiers: MedGen C0011860, MeSH D003924, MONDO:0005148, OMIM 125853, HP:0005978.
Renal cysts and diabetes syndrome (RCAD). Also called: Familial hypoplastic, glomerulocystic kidney; MATURITY-ONSET DIABETES OF THE YOUNG, TYPE 5. Identifiers: Orphanet 93111, MedGen C0431693, MONDO:0007669, OMIM 137920.

Allele frequency attached by ClinVar (database versions not stated): gnomAD 0.00001; TOPMed 0.00003.
gnomAD v4.1: 2 of 1,613,442 alleles (0.00012%); highest among the groups gnomAD compares: African/African-American, 0.0027%; no homozygotes.

Submissions (2):

Fulgent Genetics
Classification: Uncertain significance for Type 2 diabetes mellitus; Renal cysts and diabetes syndrome; Nonpapillary renal cell carcinoma. Last evaluated: 2024-05-12. Review status: criteria provided, single submitter. Criteria: ACMG Guidelines, 2015. Collection method: clinical testing. Allele origin: germline.

Athena Diagnostics
Classification: Uncertain significance. Last evaluated: 2023-04-03. Review status: criteria provided, single submitter. Criteria: Athena Diagnostics Criteria. Collection method: clinical testing. Allele origin: unknown.
Comment: Available data are insufficient to determine the clinical significance of the variant at this time. The frequency of this variant in the general population is uninformative in assessment of its pathogenicity. Computational tools yielded predictions that this variant is unlikely to have an effect on normal RNA splicing.

NM_000458.4(HNF1B):c.78G>T (p.Leu26=)

Gene: HNF1B (HNF1 homeobox B; minus strand). Cytogenetic location: 17q12.
Variant type: single nucleotide variant.
Coding change: c.78G>T on transcript NM_000458.4 (MANE Select); coding-DNA position 78, G replaced by T.
Protein change: p.Leu26=; no amino-acid change (leucine 26 retained).
Molecular consequence: synonymous variant.
Genome position (GRCh38, 1-based): chr17:37,744,807, C>A on the plus strand (G>T on the coding strand, the complement: HNF1B is on the minus strand). VCF-style: chr17-37744807-C-A. GRCh37 (hg19) VCF-style: chr17-36104798-C-A.
Other names: c.78G>T, p.Leu26= (NM_001165923.4, NM_001304286.2, NM_001411100.1).
Identifiers: ClinVar variation 2684076 (VCV002684076.2), dbSNP rs757790704, ClinGen allele CA8519161.